The following is an entry in ClinVar:

NM_022132.5(MCCC2):c.735del (p.Leu246fs)

Gene: MCCC2 (methylcrotonyl-CoA carboxylase subunit 2; plus strand). Cytogenetic location: 5q13.2.
Variant type: Deletion.
Coding change: c.735del on transcript NM_022132.5 (MANE Select); coding-DNA position 735, one base deleted (C; older notation c.735delC).
Protein change: p.Leu246fs; shifts the reading frame from leucine 246.
Molecular consequence: frameshift variant. On other transcripts: intron variant (1).
Genome position (GRCh38, 1-based): chr5:71,626,750, C deleted; the last of 6 consecutive C bases (chr5:71,626,745-71,626,750); deleting any one gives the same sequence. VCF-style (leftmost placement, unchanged base first): chr5-71626744-AC-A. GRCh37 (hg19) VCF-style: chr5-70922571-AC-A.
Other names: c.625-5371del (NM_001363147.1); short protein forms L246fs.
Identifiers: ClinVar variation 2857778 (VCV002857778.3), dbSNP rs770769655, ClinGen allele CA2674165290.

ClinVar aggregate classification (germline): Pathogenic (1 of 4 stars; one submission).

Conditions:
3-methylcrotonyl-CoA carboxylase 2 deficiency. Also called: METHYLCROTONYLGLYCINURIA, TYPE II; 3 alpha methylcrotonyl-CoA carboxylase 2 deficiency; 3 alpha methylcrotonylglycinuria 2; MCC 2 deficiency; Methylcrotonylglycinuria type 2. Identifiers: Orphanet 6, MedGen C1859499, MONDO:0008862, OMIM 210210.

Submission:

Labcorp Genetics (formerly Invitae), Labcorp
Classification: Pathogenic for 3-methylcrotonyl-CoA carboxylase 2 deficiency. Last evaluated: 2023-04-20. Review status: criteria provided, single submitter. Criteria: Invitae Variant Classification Sherloc (09022015). Collection method: clinical testing. Allele origin: germline.
Comment: For these reasons, this variant has been classified as Pathogenic. This sequence change creates a premature translational stop signal (p.Leu246Trpfs*27) in the MCCC2 gene. It is expected to result in an absent or disrupted protein product. Loss-of-function variants in MCCC2 are known to be pathogenic (PMID: 11181649, 22642865). This variant is not present in population databases (gnomAD no frequency). This variant has not been reported in the literature in individuals affected with MCCC2-related conditions.

Literature cited by the submitters: PubMed 11181649; PubMed 22642865.